The following is an entry in ClinVar:

ClinVar aggregate classification (germline): Conflicting classifications of pathogenicity. Review status: criteria provided, conflicting classifications (1 of 4 stars). 8 submissions from 8 submitters: Uncertain significance (1); Likely benign (3). 4 of the submissions do not count toward it. Last evaluated 2026-01-25.

Conditions:
Cardiomyopathy (CMYO). Also called: Cardiomyopathies. Identifiers: Orphanet 167848, MedGen C0878544, MONDO:0004994, HP:0001638. Inheritance: Various modes of inheritance.
Hypertrophic cardiomyopathy 14. Identifiers: MedGen C2750467, MONDO:0013197, OMIM 613251.

Submissions (8):

Labcorp Genetics (formerly Invitae), Labcorp
Classification: Likely benign for Hypertrophic cardiomyopathy 14. Last evaluated: 2026-01-25. Review status: criteria provided, single submitter. Criteria: Invitae Variant Classification Sherloc (09022015). Collection method: clinical testing. Allele origin: germline.

Blueprint Genetics
Classification: Likely benign. Last evaluated: 2024-11-14. Review status: criteria provided, single submitter. Criteria: ACMG Guidelines, 2015. Collection method: clinical testing. Allele origin: germline.

CHEO Genetics Diagnostic Laboratory, Children's Hospital of Eastern Ontario
Classification: Likely benign for Cardiomyopathy. Last evaluated: 2019-09-16. Review status: criteria provided, single submitter. Criteria: ACMG Guidelines, 2015. Collection method: clinical testing. Allele origin: germline. Study: Canadian Open Genetics Repository.

Laboratory for Molecular Medicine, Mass General Brigham Personalized Medicine
Classification: Uncertain significance. Last evaluated: 2014-06-11. Review status: criteria provided, single submitter. Criteria: LMM Criteria. Collection method: clinical testing. Allele origin: germline. Observed: 1 variant allele.
Comment: proposed classification - variant undergoing re-assessment, contact laboratory

Clinical Genetics, Academic Medical Center
Classification: Benign. Review status: no assertion criteria provided. Collection method: clinical testing. Allele origin: germline. Affected: yes. Study: VKGL Data-share Consensus. Not counted in ClinVar's aggregate classification.

Diagnostic Laboratory, Department of Genetics, University Medical Center Groningen
Classification: Likely benign. Review status: no assertion criteria provided. Collection method: clinical testing. Allele origin: germline. Affected: yes. Study: VKGL Data-share Consensus. Not counted in ClinVar's aggregate classification.

Genome Diagnostics Laboratory, University Medical Center Utrecht
Classification: Likely benign. Review status: no assertion criteria provided. Collection method: clinical testing. Allele origin: germline. Affected: yes. Study: VKGL Data-share Consensus. Not counted in ClinVar's aggregate classification.

Joint Genome Diagnostic Labs from Nijmegen and Maastricht, Radboudumc and MUMC+
Classification: Likely benign. Review status: no assertion criteria provided. Collection method: clinical testing. Allele origin: germline. Affected: yes. Study: VKGL Data-share Consensus. Not counted in ClinVar's aggregate classification.

NM_002471.4(MYH6):c.3979-7_3979-5del

Gene: MYH6 (myosin heavy chain 6; minus strand). Cytogenetic location: 14q11.2.
Variant type: Deletion.
Coding change: c.3979-7_3979-5del on transcript NM_002471.4 (MANE Select); 7 bases into the intron before coding-DNA position 3979 through 5 bases into the intron before coding-DNA position 3979, 3 bases deleted (TCC; older notation c.3979-7_3979-5delTCC).
Molecular consequence: intron variant.
Genome position (GRCh38, 1-based): chr14:23,389,060-23,389,062, GGA deleted on the plus strand (TCC on the coding strand, the reverse complement: MYH6 is on the minus strand); deleting any 3 consecutive bases within chr14:23,389,060-23,389,064 gives the same sequence; the c. name uses the placement nearest the transcript's 3' end. VCF-style (leftmost placement, unchanged base first): chr14-23389059-GGGA-G. GRCh37 (hg19) VCF-style: chr14-23858268-GGGA-G.
Other names: c.3979-7_3979-5delTCC (NM_002471.3).
Identifiers: ClinVar variation 44497 (VCV000044497.25), dbSNP rs397516764, ClinGen allele CA134367.